The following is an entry in ClinVar:

NM_000143.4(FH):c.1028G>C (p.Arg343Pro)

Gene: FH (fumarate hydratase; minus strand). Cytogenetic location: 1q43.
Variant type: single nucleotide variant.
Coding change: c.1028G>C on transcript NM_000143.4 (MANE Select); coding-DNA position 1028, G replaced by C.
Protein change: p.Arg343Pro; replaces arginine 343 with proline.
Molecular consequence: missense variant.
Genome position (GRCh38, 1-based): chr1:241,504,122, C>G on the plus strand (G>C on the coding strand, the complement: FH is on the minus strand). VCF-style: chr1-241504122-C-G. GRCh37 (hg19) VCF-style: chr1-241667422-C-G.
Other names: short protein forms R343P.
Identifiers: ClinVar variation 1064098 (VCV001064098.9), dbSNP rs756990249, ClinGen allele CA345438194.

ClinVar aggregate classification (germline): Uncertain significance (1 of 4 stars; one submission).

Submission:

Labcorp Genetics (formerly Invitae), Labcorp
Classification: Uncertain significance. Last evaluated: 2021-08-24. Review status: criteria provided, single submitter. Criteria: Invitae Variant Classification Sherloc (09022015). Collection method: clinical testing. Allele origin: germline.
Comment: This variant has been observed in individual(s) with clinical features of hereditary leiomyomatosis and renal cell cancer (Invitae). Algorithms developed to predict the effect of missense changes on protein structure and function (SIFT, PolyPhen-2, Align-GVGD) all suggest that this variant is likely to be disruptive, but these predictions have not been confirmed by published functional studies and their clinical significance is uncertain. In summary, the available evidence is currently insufficient to determine the role of this variant in disease. Therefore, it has been classified as a Variant of Uncertain Significance. This variant is not present in population databases (ExAC no frequency). This sequence change replaces arginine with proline at codon 343 of the FH protein (p.Arg343Pro). The arginine residue is highly conserved and there is a moderate physicochemical difference between arginine and proline.